The following is an entry in ClinVar:

NM_130384.3(ATRIP):c.1030C>A (p.Pro344Thr)

Genes: ATRIP (ATR interacting protein; plus strand), ATRIP-TREX1 (ATRIP-TREX1 readthrough; plus strand). Cytogenetic location: 3p21.31.
Variant type: single nucleotide variant.
Coding change: c.1030C>A on transcript NM_130384.3 (MANE Select); coding-DNA position 1030, C replaced by A.
Protein change: p.Pro344Thr; replaces proline 344 with threonine.
Molecular consequence: missense variant. On other transcripts: non-coding transcript variant (1).
Genome position (GRCh38, 1-based): chr3:48,459,891, C>A. VCF-style: chr3-48459891-C-A. GRCh37 (hg19) VCF-style: chr3-48501290-C-A.
Other names: c.649C>A, p.Pro217Thr (NM_001271022.2); c.751C>A, p.Pro251Thr (NM_001271023.2); c.1030C>A, p.Pro344Thr (NM_032166.4); short protein forms P217T, P251T, P344T.
Identifiers: ClinVar variation 3810048 (VCV003810048.1).

ClinVar aggregate classification (germline): Uncertain significance (1 of 4 stars; one submission).

gnomAD v4.1: 1 of 1,613,498 alleles (0.000062%); highest among the groups gnomAD compares: Non-Finnish European, 0.000085%; no homozygotes.

Submission:

Ambry Genetics
Classification: Uncertain significance. Last evaluated: 2025-01-19. Review status: criteria provided, single submitter. Criteria: Ambry Variant Classification Scheme 2023. Collection method: clinical testing. Allele origin: germline.
Comment: The p.P344T variant (also known as c.1030C>A), located in coding exon 7 of the ATRIP gene, results from a C to A substitution at nucleotide position 1030. The proline at codon 344 is replaced by threonine, an amino acid with highly similar properties. This amino acid position is conserved. In addition, this alteration is predicted to be tolerated by in silico analysis. Based on the available evidence, the clinical significance of this variant remains unclear.